The following is an entry in ClinVar:

ClinVar aggregate classification (germline): Uncertain significance (1 of 4 stars; one submission).

Conditions:
Inborn genetic diseases. Identifiers: MedGen C0950123, MeSH D030342.

Submission:

Ambry Genetics
Classification: Uncertain significance for Inborn genetic diseases. Last evaluated: 2024-12-04. Review status: criteria provided, single submitter. Criteria: Ambry Variant Classification Scheme 2023. Collection method: clinical testing. Allele origin: germline.
Comment: The p.I1225S variant (also known as c.3674T>G), located in coding exon 33 of the RTEL1 gene, results from a T to G substitution at nucleotide position 3674. The isoleucine at codon 1225 is replaced by serine, an amino acid with dissimilar properties. This amino acid position is conserved. In addition, this alteration is predicted to be tolerated by in silico analysis. Based on the available evidence, the clinical significance of this variant remains unclear.

NM_001283009.2(RTEL1):c.3674T>G (p.Ile1225Ser)

Genes: RTEL1 (regulator of telomere elongation helicase 1; plus strand), RTEL1-TNFRSF6B (RTEL1-TNFRSF6B readthrough (NMD candidate); plus strand). Cytogenetic location: 20q13.33.
Variant type: single nucleotide variant.
Coding change: c.3674T>G on transcript NM_001283009.2 (MANE Select); coding-DNA position 3674, T replaced by G.
Protein change: p.Ile1225Ser; replaces isoleucine 1225 with serine.
Molecular consequence: missense variant. On other transcripts: non-coding transcript variant (1), intron variant (3).
Genome position (GRCh38, 1-based): chr20:63,695,502, T>G. VCF-style: chr20-63695502-T-G. GRCh37 (hg19) VCF-style: chr20-62326855-T-G.
Other names: c.2983+22T>G (NM_001283010.1); c.3724+22T>G (NM_032957.5); c.3652+22T>G (NM_016434.4); short protein forms I1225S.
Identifiers: ClinVar variation 3436024 (VCV003436024.1).